The following is an entry in ClinVar:

NM_138295.5(PKD1L1):c.1279G>A (p.Glu427Lys)

Gene: PKD1L1 (polycystin 1 like 1, transient receptor potential channel interacting; minus strand). Cytogenetic location: 7p12.3.
Variant type: single nucleotide variant.
Coding change: c.1279G>A on transcript NM_138295.5 (MANE Select); coding-DNA position 1279, G replaced by A.
Protein change: p.Glu427Lys; replaces glutamic acid 427 with lysine.
Molecular consequence: missense variant.
Genome position (GRCh38, 1-based): chr7:47,908,200, C>T on the plus strand (G>A on the coding strand, the complement: PKD1L1 is on the minus strand). VCF-style: chr7-47908200-C-T. GRCh37 (hg19) VCF-style: chr7-47947797-C-T.
Other names: short protein forms E427K.
Identifiers: ClinVar variation 2556022 (VCV002556022.3), dbSNP rs141974473, ClinGen allele CA4254099.
Genomic context (GRCh38, chr7:47,908,200, plus strand): 5'-TCATGAACGCAGACACGGCCTCATGGCCAATCTCCACATAATAAGGCCCAAGCTCCACTT[C>T]GGTTCCATGAAACTCGTTATAAATAACAGCCTTGAGCATATAGACTCCTTCTGGAAAAAT-3'
Protein context (NP_612152.1, residues 417-437): AVIYNEFHGT[Glu427Lys]VELGPYYVEI

ClinVar aggregate classification (germline): Conflicting classifications of pathogenicity. Review status: criteria provided, conflicting classifications (1 of 4 stars). 2 submissions from 2 submitters: Uncertain significance (1); Likely benign (1). Last evaluated 2026-09-15.

Conditions:
PKD1L1-related disorder. Also called: PKD1L1-related condition.
Inborn genetic diseases. Identifiers: MedGen C0950123, MeSH D030342.

Allele frequency attached by ClinVar (database versions not stated): gnomAD 0.00002; ESP Exome Variant Server 0.00008.
gnomAD v4.1: 52 of 1,614,082 alleles (0.0032%); highest among the groups gnomAD compares: Middle Eastern, 0.016%; no homozygotes.

Submissions (2):

PreventionGenetics, part of Exact Sciences
Classification: Uncertain significance for PKD1L1-related condition. Last evaluated: 2026-09-15. Review status: criteria provided, single submitter. Criteria: ACMG Guidelines, 2015. Collection method: clinical testing. Allele origin: germline.
Comment: The PKD1L1 c.1279G>A variant is predicted to result in the amino acid substitution p.Glu427Lys. To our knowledge, this variant has not been reported in the literature. This variant is reported in 0.020% of alleles in individuals of Ashkenazi Jewish descent in gnomAD. At this time, the clinical significance of this variant is uncertain due to the absence of conclusive functional and genetic evidence.

Ambry Genetics
Classification: Likely benign for Inborn genetic diseases. Last evaluated: 2023-06-02. Review status: criteria provided, single submitter. Criteria: Ambry Variant Classification Scheme 2023. Collection method: clinical testing. Allele origin: germline.